The following is an entry in ClinVar:

NM_014844.5(TECPR2):c.941_942del (p.Thr314fs)

Gene: TECPR2 (tectonin beta-propeller repeat containing 2; plus strand). Cytogenetic location: 14q32.31.
Variant type: Microsatellite.
Coding change: c.941_942del on transcript NM_014844.5 (MANE Select); coding-DNA positions 941 to 942, 2 bases deleted (CA; older notation c.941_942delCA).
Protein change: p.Thr314fs; shifts the reading frame from threonine 314.
Molecular consequence: frameshift variant.
Genome position (GRCh38, 1-based): chr14:102,425,281-102,425,282, CA deleted; deleting any 2 consecutive bases within chr14:102,425,278-102,425,282 gives the same sequence; the c. name uses the placement nearest the transcript's 3' end. VCF-style (leftmost placement, unchanged base first): chr14-102425277-GAC-G. GRCh37 (hg19) VCF-style: chr14-102891614-GAC-G.
Other names: c.941_942del, p.Thr314fs (NM_001172631.3); short protein forms T314fs.
Identifiers: ClinVar variation 2761320 (VCV002761320.3), dbSNP rs2504405092, ClinGen allele CA2697554219.

ClinVar aggregate classification (germline): Pathogenic (1 of 4 stars; one submission).

Conditions:
Hereditary spastic paraplegia 49 (HSAN9). Also called: TECPR2-Related Hereditary Sensory and Autonomic Neuropathy with Intellectual Disability; NEUROPATHY, HEREDITARY SENSORY AND AUTONOMIC, TYPE IX, WITH DEVELOPMENTAL DELAY; Spastic paraplegia 49, autosomal recessive. Identifiers: Orphanet 320385, MedGen C5190860, MONDO:0014016, OMIM 615031.

Submission:

Labcorp Genetics (formerly Invitae), Labcorp
Classification: Pathogenic for Hereditary spastic paraplegia 49. Last evaluated: 2024-03-02. Review status: criteria provided, single submitter. Criteria: Invitae Variant Classification Sherloc (09022015). Collection method: clinical testing. Allele origin: germline.
Comment: This sequence change creates a premature translational stop signal (p.Thr314Serfs*14) in the TECPR2 gene. It is expected to result in an absent or disrupted protein product. Loss-of-function variants in TECPR2 are known to be pathogenic (PMID: 23176824, 25590979). This variant is not present in population databases (gnomAD no frequency). This variant has not been reported in the literature in individuals affected with TECPR2-related conditions. For these reasons, this variant has been classified as Pathogenic.

Literature cited by the submitters: PubMed 23176824; PubMed 25590979.